The following is an entry in ClinVar:

NM_205836.3(FBXO38):c.1537C>G (p.His513Asp)

Gene: FBXO38 (F-box protein 38; plus strand). Cytogenetic location: 5q32.
Variant type: single nucleotide variant.
Coding change: c.1537C>G on transcript NM_205836.3 (MANE Select); coding-DNA position 1537, C replaced by G.
Protein change: p.His513Asp; replaces histidine 513 with aspartic acid.
Molecular consequence: missense variant.
Genome position (GRCh38, 1-based): chr5:148,417,123, C>G. VCF-style: chr5-148417123-C-G. GRCh37 (hg19) VCF-style: chr5-147796686-C-G.
Other names: c.1537C>G, p.His513Asp (NM_001271723.2, NM_030793.5); short protein forms H513D.
Identifiers: ClinVar variation 1016157 (VCV001016157.10), dbSNP rs1753104074, ClinGen allele CA361660065.

ClinVar aggregate classification (germline): Uncertain significance (1 of 4 stars; one submission).

Conditions:
Distal hereditary motor neuropathy type 2. Identifiers: Orphanet 139525, MedGen C3711384, MeSH C580044, MONDO:0015352.

Submission:

Labcorp Genetics (formerly Invitae), Labcorp
Classification: Uncertain significance for Distal hereditary motor neuropathy type 2. Last evaluated: 2020-09-03. Review status: criteria provided, single submitter. Criteria: Invitae Variant Classification Sherloc (09022015). Collection method: clinical testing. Allele origin: germline.
Comment: In summary, the available evidence is currently insufficient to determine the role of this variant in disease. Therefore, it has been classified as a Variant of Uncertain Significance. Algorithms developed to predict the effect of missense changes on protein structure and function (SIFT, PolyPhen-2, Align-GVGD) all suggest that this variant is likely to be tolerated, but these predictions have not been confirmed by published functional studies and their clinical significance is uncertain. This variant has not been reported in the literature in individuals with FBXO38-related conditions. This variant is not present in population databases (ExAC no frequency). This sequence change replaces histidine with aspartic acid at codon 513 of the FBXO38 protein (p.His513Asp). The histidine residue is moderately conserved and there is a moderate physicochemical difference between histidine and aspartic acid.